The following is an entry in ClinVar:

ClinVar aggregate classification (germline): Pathogenic (1 of 4 stars; one submission).

Conditions:
Orofacial cleft 6, susceptibility to (OFC6). Also called: CLEFT LIP WITH OR WITHOUT CLEFT PALATE, NONSYNDROMIC, 6. Identifiers: MedGen C1837213, MONDO:0012141, OMIM 608864.
Popliteal pterygium syndrome (PPS). Identifiers: Orphanet 294963, MedGen C0265259, MONDO:0017435.
Van der Woude syndrome. Identifiers: Orphanet 888, MedGen C0175697, MONDO:0019508.

Submission:

Labcorp Genetics (formerly Invitae), Labcorp
Classification: Pathogenic for Orofacial cleft 6, susceptibility to; Van der Woude syndrome; Popliteal pterygium syndrome. Last evaluated: 2022-07-19. Review status: criteria provided, single submitter. Criteria: Invitae Variant Classification Sherloc (09022015). Collection method: clinical testing. Allele origin: germline.
Comment: For these reasons, this variant has been classified as Pathogenic. Advanced modeling of protein sequence and biophysical properties (such as structural, functional, and spatial information, amino acid conservation, physicochemical variation, residue mobility, and thermodynamic stability) performed at Invitae indicates that this missense variant is expected to disrupt IRF6 protein function. ClinVar contains an entry for this variant (Variation ID: 458681). This missense change has been observed in individual(s) with clinical features of van der Woude syndrome (Invitae). In at least one individual the variant was observed to be de novo. This variant is not present in population databases (gnomAD no frequency). This sequence change replaces tryptophan, which is neutral and slightly polar, with cysteine, which is neutral and slightly polar, at codon 40 of the IRF6 protein (p.Trp40Cys).

NM_006147.4(IRF6):c.120G>T (p.Trp40Cys)

Gene: IRF6 (interferon regulatory factor 6; minus strand). Cytogenetic location: 1q32.2.
Variant type: single nucleotide variant.
Coding change: c.120G>T on transcript NM_006147.4 (MANE Select); coding-DNA position 120, G replaced by T.
Protein change: p.Trp40Cys; replaces tryptophan 40 with cysteine.
Molecular consequence: missense variant. On other transcripts: intron variant (1).
Genome position (GRCh38, 1-based): chr1:209,801,294, C>A on the plus strand (G>T on the coding strand, the complement: IRF6 is on the minus strand). VCF-style: chr1-209801294-C-A. GRCh37 (hg19) VCF-style: chr1-209974639-C-A.
Other names: c.-112+4653G>T (NM_001206696.2); short protein forms W40C.
Identifiers: ClinVar variation 458681 (VCV000458681.10), dbSNP rs1553248635, ClinGen allele CA344585590.